The following is an entry in ClinVar:

ClinVar aggregate classification (germline): Uncertain significance (1 of 4 stars; one submission).

Conditions:
Congenital contractural arachnodactyly (CCA). Also called: BEALS SYNDROME; Arthrogryposis, distal, type 9; Beals-Hecht syndrome. Identifiers: Orphanet 115, MedGen C0220668, MONDO:0007363, OMIM 121050.

Submission:

Labcorp Genetics (formerly Invitae), Labcorp
Classification: Uncertain significance for Congenital contractural arachnodactyly. Last evaluated: 2024-08-14. Review status: criteria provided, single submitter. Criteria: Invitae Variant Classification Sherloc (09022015). Collection method: clinical testing. Allele origin: germline.
Comment: This sequence change replaces threonine, which is neutral and polar, with serine, which is neutral and polar, at codon 623 of the FBN2 protein (p.Thr623Ser). This variant is not present in population databases (gnomAD no frequency). This variant has not been reported in the literature in individuals affected with FBN2-related conditions. Invitae Evidence Modeling of protein sequence and biophysical properties (such as structural, functional, and spatial information, amino acid conservation, physicochemical variation, residue mobility, and thermodynamic stability) indicates that this missense variant is not expected to disrupt FBN2 protein function with a negative predictive value of 80%. In summary, the available evidence is currently insufficient to determine the role of this variant in disease. Therefore, it has been classified as a Variant of Uncertain Significance.

NM_001999.4(FBN2):c.1867A>T (p.Thr623Ser)

Gene: FBN2 (fibrillin 2; minus strand). Cytogenetic location: 5q23.3.
Variant type: single nucleotide variant.
Coding change: c.1867A>T on transcript NM_001999.4 (MANE Select); coding-DNA position 1867, A replaced by T.
Protein change: p.Thr623Ser; replaces threonine 623 with serine.
Molecular consequence: missense variant.
Genome position (GRCh38, 1-based): chr5:128,376,836, T>A on the plus strand (A>T on the coding strand, the complement: FBN2 is on the minus strand). VCF-style: chr5-128376836-T-A. GRCh37 (hg19) VCF-style: chr5-127712529-T-A.
Other names: short protein forms T623S.
Identifiers: ClinVar variation 3640807 (VCV003640807.2).